The following is an entry in ClinVar:

NM_020937.4(FANCM):c.2725A>T (p.Thr909Ser)

Gene: FANCM (FA complementation group M; plus strand). Cytogenetic location: 14q21.2.
Variant type: single nucleotide variant.
Coding change: c.2725A>T on transcript NM_020937.4 (MANE Select); coding-DNA position 2725, A replaced by T.
Protein change: p.Thr909Ser; replaces threonine 909 with serine.
Molecular consequence: missense variant.
Genome position (GRCh38, 1-based): chr14:45,175,479, A>T. VCF-style: chr14-45175479-A-T. GRCh37 (hg19) VCF-style: chr14-45644682-A-T.
Other names: c.2647A>T, p.Thr883Ser (NM_001308133.2); short protein forms T883S, T909S.
Identifiers: ClinVar variation 2681922 (VCV002681922.1), dbSNP rs1475086312, ClinGen allele CA389598934.

ClinVar aggregate classification (germline): Uncertain significance (1 of 4 stars; one submission).

Submission:

Quest Diagnostics Nichols Institute San Juan Capistrano
Classification: Uncertain significance. Last evaluated: 2023-08-16. Review status: criteria provided, single submitter. Criteria: Quest Diagnostics criteria. Collection method: clinical testing. Allele origin: unknown.
Comment: To the best of our knowledge, this variant has not been reported in the published literature. It also has not been reported in large, multi-ethnic general populations (Genome Aggregation Database). Analysis of this variant using bioinformatics tools for the prediction of the effect of amino acid changes on protein structure and function yielded predictions that this variant is benign. Based on the available information, we are unable to determine the clinical significance of this variant.